The following is an entry in ClinVar:

NM_000260.4(MYO7A):c.1342_1343del (p.Ser448fs)

Gene: MYO7A (myosin VIIA; plus strand). Cytogenetic location: 11q13.5.
Variant type: Deletion.
Coding change: c.1342_1343del on transcript NM_000260.4 (MANE Select); coding-DNA positions 1342 to 1343, 2 bases deleted (AG; older notation c.1342_1343delAG).
Protein change: p.Ser448fs; shifts the reading frame from serine 448.
Molecular consequence: frameshift variant.
Genome position (GRCh38, 1-based): chr11:77,161,114-77,161,115, AG deleted. VCF-style (leftmost placement, unchanged base first): chr11-77161113-CAG-C. GRCh37 (hg19) VCF-style: chr11-76872159-CAG-C.
Other names: c.1342_1343del, p.Ser448fs (NM_001127180.2); c.1309_1310del, p.Ser437fs (NM_001369365.1); short protein forms S437fs, S448fs.
Identifiers: ClinVar variation 2735701 (VCV002735701.3), dbSNP rs2496846680, ClinGen allele CA2695215030.

ClinVar aggregate classification (germline): Pathogenic (1 of 4 stars; one submission).

Submission:

Labcorp Genetics (formerly Invitae), Labcorp
Classification: Pathogenic. Last evaluated: 2022-12-02. Review status: criteria provided, single submitter. Criteria: Invitae Variant Classification Sherloc (09022015). Collection method: clinical testing. Allele origin: germline.
Comment: For these reasons, this variant has been classified as Pathogenic. Algorithms developed to predict the effect of sequence changes on RNA splicing suggest that this variant may disrupt the consensus splice site. This premature translational stop signal has been observed in individual(s) with Usher syndrome (PMID: 16470552). This variant is not present in population databases (gnomAD no frequency). This sequence change creates a premature translational stop signal (p.Ser448Leufs*2) in the MYO7A gene. It is expected to result in an absent or disrupted protein product. Loss-of-function variants in MYO7A are known to be pathogenic (PMID: 8900236, 25404053).

Literature cited by the submitters: PubMed 16470552; PubMed 8900236; PubMed 25404053.